The following is an entry in ClinVar:

NC_000015.9:g.(?_66780810)_(66782933_?)del

Genes: MAP2K1 (mitogen-activated protein kinase kinase 1; plus strand), SNAPC5 (small nuclear RNA activating complex polypeptide 5; minus strand). Cytogenetic location: 15q22.31.
Variant type: Deletion.
Identifiers: ClinVar variation 3243835 (VCV003243835.1).

ClinVar aggregate classification (germline): Uncertain significance (1 of 4 stars; one submission).

Conditions:
RASopathy. Also called: Noonan spectrum disorder; rasopathies. Identifiers: Orphanet 536391, MedGen C5555857, MONDO:0021060.

Submission:

Labcorp Genetics (formerly Invitae), Labcorp
Classification: Uncertain significance for RASopathy. Last evaluated: 2023-04-17. Review status: criteria provided, single submitter. Criteria: Invitae Variant Classification Sherloc (09022015). Collection method: clinical testing. Allele origin: unknown.
Comment: In summary, the available evidence is currently insufficient to determine the role of this variant in disease. Therefore, it has been classified as a Variant of Uncertain Significance. Experimental studies and prediction algorithms are not available or were not evaluated, and the functional significance of this variant is currently unknown. This variant has not been reported in the literature in individuals affected with MAP2K1-related conditions. This variant results in the deletion of exons 9-10 and part of exon 11 (c.961-743_1162del) of the MAP2K1 gene. It is expected to disrupt RNA splicing. Variants that disrupt the donor or acceptor splice site typically lead to a loss of protein function (PMID: 16199547), however the current clinical and genetic evidence is not sufficient to establish whether loss-of-function variants in MAP2K1 cause disease.

Literature cited by the submitters: PubMed 16199547.